The following is an entry in ClinVar:

ClinVar aggregate classification (germline): Pathogenic. Review status: criteria provided, multiple submitters, no conflicts (2 of 4 stars). 13 submissions from 13 submitters: Pathogenic (11). 2 of the submissions do not count toward it. Last evaluated 2025-12-11.

Conditions:
Becker muscular dystrophy (BMD). Also called: MUSCULAR DYSTROPHY, PSEUDOHYPERTROPHIC PROGRESSIVE, BECKER TYPE; Becker Muscular Dystrophy (BMD). Identifiers: Orphanet 98895, MedGen C0917713, MONDO:0010311, OMIM 300376.
Duchenne muscular dystrophy (DMD). Also called: Duchenne Muscular Dystrophy (DMD); MUSCULAR DYSTROPHY, PSEUDOHYPERTROPHIC PROGRESSIVE, DUCHENNE TYPE. Identifiers: Orphanet 98896, MedGen C0013264, MONDO:0010679, OMIM 310200.
Dilated cardiomyopathy 3B (CMD3B). Also called: CMD3B: DMD-Related Dilated Cardiomyopathy; CARDIOMYOPATHY, DILATED, X-LINKED; DMD-Associated Dilated Cardiomyopathy. Identifiers: Orphanet 154, MedGen C3668940, MONDO:0010542, OMIM 302045.
Neuromuscular disease caused by qualitative or quantitative defects of dystrophin. Also called: Qualitative or quantitative defects of dystrophin. Identifiers: Orphanet 207085, MedGen C5679787, MONDO:0016147.

Allele frequency attached by ClinVar (database versions not stated): gnomAD exomes below 0.00001.
gnomAD v4.1: 1 of 1,209,711 alleles (0.000083%); no homozygotes.

Submissions (13):

Labcorp Genetics (formerly Invitae), Labcorp
Classification: Pathogenic for Duchenne muscular dystrophy. Last evaluated: 2025-12-11. Review status: criteria provided, single submitter. Criteria: Invitae Variant Classification Sherloc (09022015). Collection method: clinical testing. Allele origin: germline.
Comment: This sequence change affects a donor splice site in intron 65 of the DMD gene. It is expected to disrupt RNA splicing. Variants that disrupt the donor or acceptor splice site typically lead to a loss of protein function (PMID: 16199547), and loss-of-function variants in DMD are known to be pathogenic (PMID: 16770791, 25007885). This variant is not present in population databases (gnomAD no frequency). Disruption of this splice site has been observed in individuals with DMD-related muscular dystrophy (PMID: 8281150, 20485447, 23536893, 27593222). Invitae Evidence Modeling of clinical and family history, age, sex, and reported ancestry of multiple individuals with this DMD variant has been performed. This variant is expected to be pathogenic with a positive predictive value of at least 99%. This is a validated machine learning model that incorporates the clinical features of 600,801 individuals referred to our laboratory for DMD testing. ClinVar contains an entry for this variant (Variation ID: 288725). Algorithms developed to predict the effect of sequence changes on RNA splicing suggest that this variant may disrupt the consensus splice site. For these reasons, this variant has been classified as Pathogenic.

GeneDx
Classification: Pathogenic. Last evaluated: 2023-11-14. Review status: criteria provided, single submitter. Criteria: GeneDx Variant Classification Process June 2021. Collection method: clinical testing. Allele origin: germline. Affected: yes.
Comment: Canonical splice site variant predicted to result in a null allele in a gene for which loss of function is a known mechanism of disease; Not observed at significant frequency in large population cohorts (gnomAD); This variant is associated with the following publications: (PMID: 27350676, 28597072, 25525159, 28152980, 27593222, 10533061, 20485447, 23536893, 28859693, 27363342, 32194622, 34297739, 15351422, 31475473, 8281150)

Athena Diagnostics
Classification: Pathogenic. Last evaluated: 2023-08-15. Review status: criteria provided, single submitter. Criteria: Athena Diagnostics Criteria. Collection method: clinical testing. Allele origin: unknown.
Comment: This variant is expected to severely impact normal RNA splicing, and consequently, protein structure and/or function. This variant has been identified in multiple unrelated individuals with DMD. This variant has not been reported in large, multi-ethnic general populations.

Victorian Clinical Genetics Services, Murdoch Childrens Research Institute
Classification: Pathogenic for Duchenne muscular dystrophy. Last evaluated: 2023-07-17. Review status: criteria provided, single submitter. Criteria: ACMG Guidelines, 2015. Collection method: clinical testing. Allele origin: germline. Inheritance: X-linked recessive inheritance. Affected: yes.
Comment: Based on the classification scheme VCGS_Germline_v1.3.4, this variant is classified as Pathogenic. Following criteria are met: 0102 - Loss of function is a known mechanism of disease in this gene and is associated with Becker muscular dystrophy (MIM#300376), Duchenne muscular dystrophy (MIM#310200) and dilated cardiomyopathy 3B (MIM#302045). (I) 0109 - This gene is associated with X-linked recessive disease. This gene is primarily associated with X-linked recessive disease relating to the muscular dystrophy phenotypes, however it is also associated with X-linked dominant DCM (OMIM, PMID: 26066469). (I) 0210 - Splice site variant proven to affect splicing of the transcript with a known effect on protein sequence. PCR studies have shown that this variant causes loss of the canonical donor site and activation of a cryptic donor site which causes the retention of 4 intronic base pairs, resulting in an out of frame protein product (PMID: 10533061). (SP) 0253 - This variant is hemizygous. (I) 0301 - Variant is absent from gnomAD (both v2 and v3). (SP) 0702 - Other splice site variants comparable to the one identified in this case have strong previous evidence for pathogenicity. c.9563+1G>T, c.9563+2T>A and c.9563+5G>C have been classified as pathogenic or likely pathogenic by clinical laboratories in ClinVar. (SP) 0801 - This variant has strong previous evidence of pathogenicity in unrelated individuals. This variant has been classified as pathogenic by multiple clinical laboratories in ClinVar and has been observed in several individuals with DMD in the literature (PMIDs: 10533061, 8281150, 23536893). (SP) 1208 - Inheritance information for this variant is not currently available in this individual. (I) Legend: (SP) - Supporting pathogenic, (I) - Information, (SB) - Supporting benign

Revvity Omics, Revvity
Classification: Pathogenic. Last evaluated: 2023-05-15. Review status: criteria provided, single submitter. Criteria: ACMG Guidelines, 2015. Collection method: clinical testing. Allele origin: germline.

Women's Health and Genetics/Laboratory Corporation of America, LabCorp
Classification: Pathogenic for Neuromuscular disease caused by qualitative or quantitative defects of dystrophin. Last evaluated: 2023-02-15. Review status: criteria provided, single submitter. Criteria: LabCorp Variant Classification Summary - May 2015. Collection method: clinical testing. Allele origin: germline.
Comment: Variant summary: DMD c.9563+1G>A is located in a canonical splice-site and is predicted to affect mRNA splicing resulting in a significantly altered protein due to either exon skipping, shortening, or inclusion of intronic material. Several computational tools predict a significant impact on normal splicing: Three predict the variant abolishes the canonical 5' splicing donor site. At least one publication reports experimental evidence that this variant affects mRNA splicing (example: Lenk_1993). The variant was absent in 183335 control chromosomes (gnomAD). c.9563+1G>A has been reported in the literature in individuals affected with Dystrophinopathies (examples: Lenk_1993, Takeshima_2010, Juan-Mateu_2013, Cho_2017). These data indicate that the variant is likely to be associated with disease. Five clinical diagnostic laboratories have submitted clinical-significance assessments for this variant to ClinVar after 2014 and all classified the variant as pathogenic. Based on the evidence outlined above, the variant was classified as pathogenic.

Laboratory of Medical Genetics, National & Kapodistrian University of Athens
Classification: Pathogenic for Duchenne muscular dystrophy. Last evaluated: 2022-12-16. Review status: criteria provided, single submitter. Criteria: ACMG Guidelines, 2015. Collection method: clinical testing. Allele origin: germline. Affected: yes.
Comment: PVS1, PM2, PP5

Mendelics
Classification: Pathogenic for Duchenne muscular dystrophy. Last evaluated: 2019-05-28. Review status: criteria provided, single submitter. Criteria: Mendelics Assertion Criteria 2017. Collection method: clinical testing. Allele origin: unknown.

Eurofins Ntd Llc (ga)
Classification: Pathogenic. Last evaluated: 2016-07-08. Review status: criteria provided, single submitter. Criteria: EGL Classification Definitions 2015. Collection method: clinical testing. Allele origin: germline. Observed: 2 variant alleles, 2 hemizygotes.

Juno Genomics, Hangzhou Juno Genomics, Inc
Classification: Pathogenic for Becker muscular dystrophy; Dilated cardiomyopathy 3B; Duchenne muscular dystrophy. Review status: criteria provided, single submitter. Criteria: ACMG Guidelines, 2015. Collection method: clinical testing. Allele origin: germline. Affected: yes.
Comment: Absent from controls (or at extremely low frequency if recessive) in Genome Aggregation Database.;Null variant in a gene where loss of function (LOF) is a known mechanism of disease.;The prevalence of the variant in affected individuals is significantly increased compared to the prevalence in controls.;Patient's phenotype or family history is highly specific for a disease with a single genetic etiology.

Suma Genomics
Classification: Pathogenic for Duchenne muscular dystrophy. Review status: criteria provided, single submitter. Criteria: ACMG Guidelines, 2015. Collection method: clinical testing. Allele origin: inherited. Inheritance: X-linked inheritance. Affected: yes.

Department of Rehabilitation Medicine, Incheon St. Mary’s Hospital, College of Medicine, The Catholic University of Korea
Classification: Pathogenic for Duchenne muscular dystrophy. Last evaluated: 2019-02-11. Review status: no assertion criteria provided. Collection method: research. Allele origin: unknown. Inheritance: X-linked recessive inheritance. Affected: yes. Observed: 1 hemizygote. Not counted in ClinVar's aggregate classification.

OMIM
Classification: Pathogenic for DUCHENNE MUSCULAR DYSTROPHY. Last evaluated: 1993-11-01. Review status: no assertion criteria provided. Collection method: literature only. Allele origin: germline. Not counted in ClinVar's aggregate classification.

Literature cited by the submitters: PubMed 16199547 (cited by Labcorp Genetics (formerly Invitae), Labcorp); PubMed 16770791 (cited by Labcorp Genetics (formerly Invitae), Labcorp); PubMed 25007885 (cited by Labcorp Genetics (formerly Invitae), Labcorp); PubMed 8281150 (cited by 5 submitters); PubMed 20485447 (cited by 3 submitters); PubMed 23536893 (cited by 4 submitters); PubMed 27593222 (cited by 3 submitters); PubMed 31475473 (cited by Athena Diagnostics); PubMed 10533061 (cited by Athena Diagnostics and Victorian Clinical Genetics Services, Murdoch Childrens Research Institute); PubMed 27350676 (cited by Athena Diagnostics); PubMed 26968818 (cited by Athena Diagnostics); PubMed 19959795 (cited by Athena Diagnostics); PubMed 26066469 (cited by Victorian Clinical Genetics Services, Murdoch Childrens Research Institute).

NM_004006.3(DMD):c.9563+1G>A

Gene: DMD (dystrophin; minus strand). Cytogenetic location: Xp21.2.
Variant type: single nucleotide variant.
Coding change: c.9563+1G>A on transcript NM_004006.3 (MANE Select); the canonical splice donor site of the intron after coding-DNA position 9563, G replaced by A.
Molecular consequence: splice donor variant.
Genome position (GRCh38, 1-based): chrX:31,209,497, C>T on the plus strand (G>A on the coding strand, the complement: DMD is on the minus strand). VCF-style: chrX-31209497-C-T. GRCh37 (hg19) VCF-style: chrX-31227614-C-T.
Other names: IVS65, G-A, +1; c.9539+1G>A (NM_000109.4); c.5540+1G>A (NM_004011.4); c.5531+1G>A (NM_004012.4); c.2183+1G>A (NM_004023.3, NM_004020.4, NM_004022.3 and 2 more transcripts); c.1376+1G>A (NM_004014.3); c.359+1G>A (NM_004018.3, NM_004017.3, NM_004016.3 and 2 more transcripts); c.9551+1G>A (NM_004009.3); and 1 more.
Identifiers: ClinVar variation 288725 (VCV000288725.26), dbSNP rs886043989, ClinGen allele CA10606200.